The following is an entry in ClinVar:

NM_000466.3(PEX1):c.273+1G>A

Gene: PEX1 (peroxisomal biogenesis factor 1; minus strand). Cytogenetic location: 7q21.2.
Variant type: single nucleotide variant.
Coding change: c.273+1G>A on transcript NM_000466.3 (MANE Select); the canonical splice donor site of the intron after coding-DNA position 273, G replaced by A.
Molecular consequence: splice donor variant.
Genome position (GRCh38, 1-based): chr7:92,522,101, C>T on the plus strand (G>A on the coding strand, the complement: PEX1 is on the minus strand). VCF-style: chr7-92522101-C-T. GRCh37 (hg19) VCF-style: chr7-92151415-C-T.
Other names: c.273+1G>A (NM_001282677.2); c.-387+1G>A (NM_001282678.2).
Identifiers: ClinVar variation 558237 (VCV000558237.18), dbSNP rs1554376597, ClinGen allele CA368204649.

ClinVar aggregate classification (germline): Pathogenic/Likely pathogenic. Review status: criteria provided, multiple submitters, no conflicts (2 of 4 stars). 7 submissions from 7 submitters: Pathogenic (1); Likely pathogenic (4). 2 of the submissions do not count toward it. Last evaluated 2025-09-08.

Conditions:
Heimler syndrome 1 (HMLR1). Also called: PEROXISOME BIOGENESIS DISORDER 1C. Identifiers: Orphanet 3220, MedGen C4551980, OMIM 234580, MONDO:0024544.
Peroxisome biogenesis disorder. Identifiers: Orphanet 79189, MedGen C1832200, MONDO:0019234. Disease mechanism: loss of function.
PEX1-related disorder. Also called: PEX1-related condition.
Peroxisome biogenesis disorder 1A (Zellweger) (PBD1A). Also called: Peroxisome biogenesis disorder 1a; Zellweger leukodystrophy. Identifiers: MedGen C4721541, MONDO:0008953, OMIM 214100.
Peroxisome biogenesis disorder 1B (PBD1B). Also called: ADRENOLEUKODYSTROPHY, AUTOSOMAL NEONATAL; Refsum disease, infantile form; Infantile Refsum disease; Infantile form of phytanic acid storage disease; PEROXISOME BIOGENESIS DISORDER (NEONATAL ADRENOLEUKODYSTROPHY/INFANTILE REFSUM DISEASE); INFANTILE PHYTANIC ACID STORAGE DISEASE. Identifiers: Orphanet 44, MedGen C0282527, MONDO:0011101, OMIM 601539.
Zellweger spectrum disorders (ZS). Also called: Zellweger Spectrum Disorder; Zellweger Spectrum; Zellweger syndrome; Zellweger Spectrum Disorder (ZSD). Identifiers: Orphanet 912, MedGen C0043459, MONDO:0019609.

Allele frequency attached by ClinVar (database versions not stated): gnomAD exomes below 0.00001.
gnomAD v4.1: 3 of 1,613,812 alleles (0.00019%); highest among the groups gnomAD compares: South Asian, 0.0011%; no homozygotes.

Submissions (7):

Myriad Genetics, Inc.
Classification: Likely pathogenic for Peroxisome biogenesis disorder. Last evaluated: 2025-09-08. Review status: criteria provided, single submitter. Criteria: Myriad Autosomal Dominant, Autosomal Recessive and X-Linked Classification Criteria (2023). Collection method: clinical testing. Allele origin: unknown.
Comment: NM_000466.2(PEX1):c.273+1G>A is a variant in a canonical splice site classified as likely pathogenic in the context of peroxisome biogenesis disorder type 1. c.273+1G>A has been observed in a case with relevant disease (PMID: 21031596). Relevant functional assessments of this variant are not available in the literature. c.273+1G>A has not been observed in referenced population frequency databases. In summary, NM_000466.2(PEX1):c.273+1G>A is a variant in a canonical splice site that has been observed more frequently in cases with the relevant disease than in healthy populations. Please note: this variant was assessed in the context of healthy population screening.

Labcorp Genetics (formerly Invitae), Labcorp
Classification: Likely pathogenic for Zellweger spectrum disorders. Last evaluated: 2024-03-13. Review status: criteria provided, single submitter. Criteria: Invitae Variant Classification Sherloc (09022015). Collection method: clinical testing. Allele origin: germline.
Comment: This sequence change affects a donor splice site in intron 2 of the PEX1 gene. It is expected to disrupt RNA splicing. Variants that disrupt the donor or acceptor splice site typically lead to a loss of protein function (PMID: 16199547), and loss-of-function variants in PEX1 are known to be pathogenic (PMID: 21031596, 26387595, 31831025). This variant is not present in population databases (gnomAD no frequency). Disruption of this splice site has been observed in individual(s) with Zellweger syndrome spectrum disorder (PMID: 21031596). ClinVar contains an entry for this variant (Variation ID: 558237). Algorithms developed to predict the effect of sequence changes on RNA splicing suggest that this variant may disrupt the consensus splice site. In summary, the currently available evidence indicates that the variant is pathogenic, but additional data are needed to prove that conclusively. Therefore, this variant has been classified as Likely Pathogenic.

Baylor Genetics
Classification: Pathogenic for Heimler syndrome 1. Last evaluated: 2023-12-10. Review status: criteria provided, single submitter. Criteria: ACMG Guidelines, 2015. Collection method: clinical testing. Allele origin: unknown.

Blueprint Genetics
Classification: Likely pathogenic for PEX1-related disorders. Last evaluated: 2022-11-22. Review status: criteria provided, single submitter. Criteria: ACMG Guidelines, 2015. Collection method: clinical testing. Allele origin: germline. Affected: yes. Observed: 4 variant alleles.

Fulgent Genetics
Classification: Likely pathogenic for Peroxisome biogenesis disorder 1A (Zellweger); Heimler syndrome 1; Peroxisome biogenesis disorder 1B. Last evaluated: 2022-05-02. Review status: criteria provided, single submitter. Criteria: ACMG Guidelines, 2015. Collection method: clinical testing. Allele origin: unknown.

Natera, Inc.
Classification: Likely pathogenic for Zellweger syndrome. Last evaluated: 2020-09-21. Review status: no assertion criteria provided. Collection method: clinical testing. Allele origin: germline. Not counted in ClinVar's aggregate classification.

Counsyl
Classification: Likely pathogenic for Peroxisome biogenesis disorder 1A (Zellweger). Last evaluated: 2018-05-08. Review status: no assertion criteria provided. Collection method: clinical testing. Allele origin: unknown. Not counted in ClinVar's aggregate classification.

Literature cited by the submitters: PubMed 21031596 (cited by 3 submitters); PubMed 16199547 (cited by Labcorp Genetics (formerly Invitae), Labcorp); PubMed 26387595 (cited by Labcorp Genetics (formerly Invitae), Labcorp); PubMed 31831025 (cited by Labcorp Genetics (formerly Invitae), Labcorp); PubMed 25525159 (cited by Counsyl).